The following is an entry in ClinVar:

NM_001433705.1(NLRP5):c.2170T>C (p.Ser724Pro)

Gene: NLRP5 (NLR family pyrin domain containing 5; plus strand). Cytogenetic location: 19q13.43.
Variant type: single nucleotide variant.
Coding change: c.2170T>C on transcript NM_001433705.1 (MANE Select); coding-DNA position 2170, T replaced by C.
Protein change: p.Ser724Pro; replaces serine 724 with proline.
Molecular consequence: missense variant.
Genome position (GRCh38, 1-based): chr19:56,032,657, T>C. VCF-style: chr19-56032657-T-C. GRCh37 (hg19) VCF-style: chr19-56544023-T-C.
Other names: NM_153447.4:c.2323T>C; short protein forms S724P.
Identifiers: ClinVar variation 103282 (VCV000103282.2), dbSNP rs199475777, ClinGen allele CA230364.
Genomic context (GRCh38, chr19:56,032,657, plus strand): 5'-CCCCCCTGACATAGGATGCGGGATAAGACCCTCATTGAGGAGCAGTGGGAAGATTTCTGC[T>C]CCATGCTTGGCACCCACCCACACCTGCGGCAGCTGGACCTGGGCAGCAGCATCCTGACAG-3'
Protein context (NP_001420634.1, residues 714-734): LIEEQWEDFC[Ser724Pro]MLGTHPHLRQ

ClinVar aggregate classification (germline): not provided (0 of 4 stars; one submission).

Allele frequency attached by ClinVar (database versions not stated): gnomAD exomes below 0.00001.
gnomAD v4.1: 2 of 1,613,650 alleles (0.00012%); highest among the groups gnomAD compares: Non-Finnish European, 0.000085%; no homozygotes.

Submission:

Human Evolutionary Genetics, Institut Pasteur
No classification provided. Review status: no classification provided. Collection method: not provided. Allele origin: germline.
ClinVar note: Converted during submission from untested to not provided.